The following is an entry in ClinVar:

NM_007118.4(TRIO):c.5279C>T (p.Ala1760Val)

Gene: TRIO (trio Rho guanine nucleotide exchange factor; plus strand). Cytogenetic location: 5p15.2.
Variant type: single nucleotide variant.
Coding change: c.5279C>T on transcript NM_007118.4 (MANE Select); coding-DNA position 5279, C replaced by T.
Protein change: p.Ala1760Val; replaces alanine 1760 with valine.
Molecular consequence: missense variant. On other transcripts: non-coding transcript variant (1).
Genome position (GRCh38, 1-based): chr5:14,461,094, C>T. VCF-style: chr5-14461094-C-T. GRCh37 (hg19) VCF-style: chr5-14461203-C-T.
Other names: short protein forms A1760V.
Identifiers: ClinVar variation 1335838 (VCV001335838.3), dbSNP rs1753760161, ClinGen allele CA359226855.
Genomic context (GRCh38, chr5:14,461,094, plus strand): 5'-CCAGCAATGACGCCAGTCCACCCGCATCCGTGGCTTCCCTCCAGCCCCACATGATCGGGG[C>T]CCAGAGCTCGCCGGGCCCCAAGCGGCCGGGCAACACCCTGCGCAAGTGGCTCACCAGCCC-3'
Protein context (NP_009049.2, residues 1750-1770): VASLQPHMIG[Ala1760Val]QSSPGPKRPG

ClinVar aggregate classification (germline): Uncertain significance. Review status: criteria provided, multiple submitters, no conflicts (2 of 4 stars). 2 submissions from 2 submitters: Uncertain significance (2). Last evaluated 2025-06-06.

Conditions:
Inborn genetic diseases. Identifiers: MedGen C0950123, MeSH D030342.

Allele frequency attached by ClinVar (database versions not stated): TOPMed below 0.00001; gnomAD exomes below 0.00001.
gnomAD v4.1: 1 of 1,570,106 alleles (0.000064%); highest among the groups gnomAD compares: Admixed American, 0.0018%; no homozygotes.

Submissions (2):

Ambry Genetics
Classification: Uncertain significance for Inborn genetic diseases. Last evaluated: 2025-06-06. Review status: criteria provided, single submitter. Criteria: Ambry Variant Classification Scheme 2023. Collection method: clinical testing. Allele origin: germline.

GeneDx
Classification: Uncertain significance. Last evaluated: 2022-01-24. Review status: criteria provided, single submitter. Criteria: GeneDx Variant Classification Process June 2021. Collection method: clinical testing. Allele origin: germline. Affected: yes.
Comment: Not observed in large population cohorts (gnomAD); In silico analysis supports that this missense variant does not alter protein structure/function; Has not been previously published as pathogenic or benign to our knowledge